The following is an entry in ClinVar:

NM_001377.3(DYNC2H1):c.8830C>T (p.Gln2944Ter)

Gene: DYNC2H1 (dynein cytoplasmic 2 heavy chain 1; plus strand). Cytogenetic location: 11q22.3.
Variant type: single nucleotide variant.
Coding change: c.8830C>T on transcript NM_001377.3 (MANE Select); coding-DNA position 8830, C replaced by T.
Protein change: p.Gln2944Ter; replaces glutamine 2944 with a stop codon.
Molecular consequence: nonsense.
Genome position (GRCh38, 1-based): chr11:103,215,856, C>T. VCF-style: chr11-103215856-C-T. GRCh37 (hg19) VCF-style: chr11-103086585-C-T.
Other names: c.8830C>T, p.Gln2944Ter (NM_001080463.2); short protein forms Q2944*.
Identifiers: ClinVar variation 5014241 (VCV005014241.1).

ClinVar aggregate classification (germline): Pathogenic (1 of 4 stars; one submission).

Conditions:
Asphyxiating thoracic dystrophy 3. Also called: Saldino-Noonan Syndrome; SHORT-RIB THORACIC DYSPLASIA 3 WITH OR WITHOUT POLYDACTYLY; POLYDACTYLY WITH NEONATAL CHONDRODYSTROPHY, TYPE I; SHORT-RIB THORACIC DYSPLASIA 3/6 WITH POLYDACTYLY, DIGENIC; Short rib polydactyly syndrome 2B. Identifiers: Orphanet 474, Orphanet 93269, Orphanet 93270, Orphanet 93271, MedGen C0036069, MONDO:0013127, OMIM 613091.

Submission:

Myriad Genetics, Inc.
Classification: Pathogenic for Asphyxiating thoracic dystrophy 3. Last evaluated: 2025-03-21. Review status: criteria provided, single submitter. Criteria: Myriad Autosomal Dominant, Autosomal Recessive and X-Linked Classification Criteria (2023). Collection method: clinical testing. Allele origin: unknown.
Comment: NM_001377.2(DYNC2H1):c.8830C>T(Q2944*) is expected to be pathogenic in the context of DYNC2H1-related disorders. This variant is predicted to lead to an abnormal or absent protein product due to the creation of a premature termination codon in DYNC2H1, a gene where loss-of-function variants are known to be pathogenic. Please note: this variant was assessed in the context of healthy population screening.